The following is an entry in ClinVar:

ClinVar aggregate classification (germline): Uncertain significance. Review status: criteria provided, multiple submitters, no conflicts (2 of 4 stars). 2 submissions from 2 submitters: Uncertain significance (2). Last evaluated 2024-05-28.

Conditions:
Cardiovascular phenotype. Identifiers: MedGen CN230736.
Hypertrophic cardiomyopathy 26. Also called: Cardiomyopathy, familial hypertrophic, 26. Identifiers: Orphanet 75249, MedGen C4310749, MONDO:0014883, OMIM 617047.
Myofibrillar myopathy 5. Also called: FILAMINOPATHY, AUTOSOMAL DOMINANT; Filaminopathy (type). Identifiers: Orphanet 171445, MedGen C1836050, MONDO:0012289, OMIM 609524.
Distal myopathy with posterior leg and anterior hand involvement. Also called: WILLIAMS DISTAL MYOPATHY. Identifiers: Orphanet 63273, MedGen C3279722, MONDO:0013550, OMIM 614065.

Allele frequency attached by ClinVar (database versions not stated): gnomAD exomes below 0.00001; TOPMed below 0.00001; gnomAD 0.00001.
gnomAD v4.1: 2 of 1,555,440 alleles (0.00013%); highest among the groups gnomAD compares: African/African-American, 0.0027%; no homozygotes.

Submissions (2):

Labcorp Genetics (formerly Invitae), Labcorp
Classification: Uncertain significance for Distal myopathy with posterior leg and anterior hand involvement; Myofibrillar myopathy 5; Hypertrophic cardiomyopathy 26. Last evaluated: 2024-05-28. Review status: criteria provided, single submitter. Criteria: Invitae Variant Classification Sherloc (09022015). Collection method: clinical testing. Allele origin: germline.
Comment: This sequence change replaces phenylalanine, which is neutral and non-polar, with leucine, which is neutral and non-polar, at codon 787 of the FLNC protein (p.Phe787Leu). This variant is not present in population databases (gnomAD no frequency). This variant has not been reported in the literature in individuals affected with FLNC-related conditions. ClinVar contains an entry for this variant (Variation ID: 953413). Advanced modeling of protein sequence and biophysical properties (such as structural, functional, and spatial information, amino acid conservation, physicochemical variation, residue mobility, and thermodynamic stability) has been performed at Invitae for this missense variant, however the output from this modeling did not meet the statistical confidence thresholds required to predict the impact of this variant on FLNC protein function. In summary, the available evidence is currently insufficient to determine the role of this variant in disease. Therefore, it has been classified as a Variant of Uncertain Significance.

Ambry Genetics
Classification: Uncertain significance for Cardiovascular phenotype. Last evaluated: 2022-09-07. Review status: criteria provided, single submitter. Criteria: Ambry Variant Classification Scheme 2023. Collection method: clinical testing. Allele origin: germline.
Comment: The p.F787L variant (also known as c.2361C>G), located in coding exon 15 of the FLNC gene, results from a C to G substitution at nucleotide position 2361. The phenylalanine at codon 787 is replaced by leucine, an amino acid with highly similar properties. This amino acid position is conserved. In addition, this alteration is predicted to be deleterious by in silico analysis. Since supporting evidence is limited at this time, the clinical significance of this alteration remains unclear.

NM_001458.5(FLNC):c.2361C>G (p.Phe787Leu)

Gene: FLNC (filamin C; plus strand). Cytogenetic location: 7q32.1.
Variant type: single nucleotide variant.
Coding change: c.2361C>G on transcript NM_001458.5 (MANE Select); coding-DNA position 2361, C replaced by G.
Protein change: p.Phe787Leu; replaces phenylalanine 787 with leucine.
Molecular consequence: missense variant.
Genome position (GRCh38, 1-based): chr7:128,842,670, C>G. VCF-style: chr7-128842670-C-G. GRCh37 (hg19) VCF-style: chr7-128482724-C-G.
Other names: c.2361C>G, p.Phe787Leu (NM_001127487.2); short protein forms F787L.
Identifiers: ClinVar variation 953413 (VCV000953413.12), dbSNP rs1471063024, ClinGen allele CA369191349.
Genomic context (GRCh38, chr7:128,842,670, plus strand): 5'-AAAGGTGTACGGCCCCGGAGTGGAGAAGACAGGCCTCAAGGCCAATGAGCCCACCTACTT[C>G]ACGGTGGACTGCAGCGAGGCGGGGCAAGGTGCGCCCAGCCGGAAGGGGTGGGTCTGGGAG-3'
Protein context (NP_001449.3, residues 777-797): TGLKANEPTY[Phe787Leu]TVDCSEAGQG